The following is an entry in ClinVar:

ClinVar aggregate classification (germline): Uncertain significance (1 of 4 stars; one submission).

Conditions:
Hereditary cancer-predisposing syndrome. Also called: Hereditary Cancer Syndrome; Hereditary neoplastic syndrome; Tumor predisposition; Neoplastic Syndromes, Hereditary. Identifiers: Orphanet 140162, MedGen C0027672, MeSH D009386, MONDO:0015356.

Allele frequency attached by ClinVar (database versions not stated): gnomAD exomes below 0.00001.
gnomAD v4.1: 1 of 1,614,106 alleles (0.000062%); highest among the groups gnomAD compares: Non-Finnish European, 0.000085%; no homozygotes.

Submission:

Ambry Genetics
Classification: Uncertain significance for Hereditary cancer-predisposing syndrome. Last evaluated: 2021-06-04. Review status: criteria provided, single submitter. Criteria: Ambry Variant Classification Scheme 2023. Collection method: clinical testing. Allele origin: germline.
Comment: The p.A794T variant (also known as c.2380G>A), located in coding exon 4 of the MSH6 gene, results from a G to A substitution at nucleotide position 2380. The alanine at codon 794 is replaced by threonine, an amino acid with similar properties. This amino acid position is highly conserved in available vertebrate species. In addition, this alteration is predicted to be deleterious by in silico analysis. Since supporting evidence is limited at this time, the clinical significance of this alteration remains unclear.

NM_000179.3(MSH6):c.2380G>A (p.Ala794Thr)

Gene: MSH6 (mutS homolog 6; plus strand). Cytogenetic location: 2p16.3.
Variant type: single nucleotide variant.
Coding change: c.2380G>A on transcript NM_000179.3 (MANE Select); coding-DNA position 2380, G replaced by A.
Protein change: p.Ala794Thr; replaces alanine 794 with threonine.
Molecular consequence: missense variant.
Genome position (GRCh38, 1-based): chr2:47,800,363, G>A. VCF-style: chr2-47800363-G-A. GRCh37 (hg19) VCF-style: chr2-48027502-G-A.
Other names: c.2380G>A, p.Ala794Thr (NM_001406808.1, NM_001406809.1, NM_001406796.1 and 2 more transcripts); c.1474G>A, p.Ala492Thr (NM_001406811.1, NM_001406812.1, NM_001406815.1 and 6 more transcripts); c.2386G>A, p.Ala796Thr (NM_001406813.1); c.1990G>A, p.Ala664Thr (NM_001281492.2); c.2476G>A, p.Ala826Thr (NM_001406795.1, NM_001406802.1); c.2083G>A, p.Ala695Thr (NM_001406797.1, NM_001406801.1, NM_001406805.1 and 10 more transcripts); c.1855G>A, p.Ala619Thr (NM_001406799.1, NM_001406806.1, NM_001406807.1); c.2302G>A, p.Ala768Thr (NM_001406804.1); and 1 more; short protein forms A619T, A796T, A826T, A492T, A664T, A768T, A794T, A695T.
Identifiers: ClinVar variation 1790442 (VCV001790442.2), dbSNP rs2104403762, ClinGen allele CA346753745.